The following is an entry in ClinVar:

ClinVar aggregate classification (germline): Uncertain significance (1 of 4 stars; one submission).

Conditions:
Hearing loss, autosomal dominant 80. Also called: DEAFNESS, AUTOSOMAL DOMINANT 80. Identifiers: MedGen C5543289, MONDO:0030998, OMIM 619274.
Renal hypodysplasia/aplasia 3 (RHDA3). Identifiers: MedGen C4540497, MONDO:0024520, OMIM 617805.

Submission:

Juno Genomics, Hangzhou Juno Genomics, Inc
Classification: Uncertain significance for Hearing loss, autosomal dominant 80; Renal hypodysplasia/aplasia 3. Review status: criteria provided, single submitter. Criteria: ACMG Guidelines, 2015. Collection method: clinical testing. Allele origin: germline. Affected: yes.
Comment: Absent from controls (or at extremely low frequency if recessive) in Genome Aggregation Database.;Null variant in a gene where loss of function (LOF) is a known mechanism of disease.

NM_001142966.3(GREB1L):c.5291_5292dup (p.Ile1765fs)

Gene: GREB1L (GREB1 like retinoic acid receptor coactivator; plus strand). Cytogenetic location: 18q11.2.
Variant type: Duplication.
Coding change: c.5291_5292dup on transcript NM_001142966.3 (MANE Select); coding-DNA positions 5291 to 5292, 2 bases duplicated (CC; older notation c.5291_5292dupCC).
Protein change: p.Ile1765fs; shifts the reading frame from isoleucine 1765.
Molecular consequence: frameshift variant.
Genome position (GRCh38, 1-based): chr18:21,518,053-21,518,054, CC duplicated; duplicating any 2 consecutive bases within chr18:21,518,052-21,518,054 gives the same sequence; the c. name uses the placement nearest the transcript's 3' end. VCF-style (leftmost placement, unchanged base first): chr18-21518051-A-ACC. GRCh37 (hg19) VCF-style: chr18-19098012-A-ACC.
Other names: c.5420_5421dup, p.Ile1808fs (NM_001410867.1); c.4964_4965dup, p.Ile1656fs (NM_001410868.1); short protein forms I1656fs, I1765fs, I1808fs.
Identifiers: ClinVar variation 5018783 (VCV005018783.1).
Genomic context (GRCh38, chr18:21,518,051, plus strand): 5'-GTGACAGACAAGTTTCCCATGATCATCTCGCCTCTGATTTCAGGTGTCAGAGAGCTTAGC[A>ACC]CCCATCTTGCCCCTTCAATACATCTGTGCTCCCGACAGTGAACACACACTACTGGCAGCC-3'